The following is an entry in ClinVar:

ClinVar aggregate classification (germline): Uncertain significance (1 of 4 stars; one submission).

Submission:

Labcorp Genetics (formerly Invitae), Labcorp
Classification: Uncertain significance. Last evaluated: 2025-11-06. Review status: criteria provided, single submitter. Criteria: Invitae Variant Classification Sherloc (09022015). Collection method: clinical testing. Allele origin: germline.
Comment: This sequence change replaces leucine, which is neutral and non-polar, with proline, which is neutral and non-polar, at codon 185 of the TCIRG1 protein (p.Leu185Pro). This variant is not present in population databases (gnomAD no frequency). This variant has not been reported in the literature in individuals affected with TCIRG1-related conditions. Invitae Evidence Modeling of protein sequence and biophysical properties (such as structural, functional, and spatial information, amino acid conservation, physicochemical variation, residue mobility, and thermodynamic stability) indicates that this missense variant is expected to disrupt TCIRG1 protein function with a positive predictive value of 80%. In summary, the available evidence is currently insufficient to determine the role of this variant in disease. Therefore, it has been classified as a Variant of Uncertain Significance.

NM_006019.4(TCIRG1):c.554T>C (p.Leu185Pro)

Gene: TCIRG1 (T cell immune regulator 1, ATPase H+ transporting V0 subunit a3; plus strand). Cytogenetic location: 11q13.2.
Variant type: single nucleotide variant.
Coding change: c.554T>C on transcript NM_006019.4 (MANE Select); coding-DNA position 554, T replaced by C.
Protein change: p.Leu185Pro; replaces leucine 185 with proline.
Molecular consequence: missense variant. On other transcripts: 5 prime UTR variant (2), intron variant (7).
Genome position (GRCh38, 1-based): chr11:68,043,421, T>C. VCF-style: chr11-68043421-T-C. GRCh37 (hg19) VCF-style: chr11-67810888-T-C.
Other names: c.-357T>C (NM_001351059.2); c.554T>C, p.Leu185Pro (NM_001440552.1, NM_001440553.1, NM_001440554.1 and 4 more transcripts); c.512T>C, p.Leu171Pro (NM_001440555.1, NM_001440556.1, NM_001440563.1); c.254T>C, p.Leu85Pro (NM_001440565.1); c.-95T>C (NM_006053.4); c.503+390T>C (NM_001440569.1); c.418-150T>C (NM_001440561.1, NM_001440566.1, NM_001440562.1 and 1 more transcripts); c.376-150T>C (NM_001440564.1, NM_001440568.1); short protein forms L171P, L185P, L85P.
Identifiers: ClinVar variation 4739839 (VCV004739839.1).